The following is an entry in ClinVar:

ClinVar aggregate classification (germline): Uncertain significance/VUS-high. Review status: criteria provided, multiple submitters, no conflicts (2 of 4 stars). 2 submissions from 2 submitters: Uncertain significance (1); VUS-high (1). Last evaluated 2017-06-01.

Conditions:
Hereditary spastic paraplegia 46. Also called: Spastic paraplegia 46, autosomal recessive. Identifiers: Orphanet 320391, MedGen C2828721, MONDO:0013737, OMIM 614409.

Allele frequency attached by ClinVar (database versions not stated): gnomAD exomes below 0.00001; TOPMed 0.00001; gnomAD 0.00001.
gnomAD v4.1: 6 of 1,607,858 alleles (0.00037%); highest among the groups gnomAD compares: African/African-American, 0.0027%; no homozygotes.

Submissions (2):

GeneDx
Classification: Uncertain significance. Last evaluated: 2017-06-01. Review status: criteria provided, single submitter. Criteria: GeneDx Variant Classification (06012015). Collection method: clinical testing. Allele origin: germline. Affected: yes.
Comment: The G158R variant in the GBA2 gene has not been reported previously as a pathogenic variant, nor as a benign variant, to our knowledge. The G158R variant is not observed in large population cohorts (Lek et al., 2016; 1000 Genomes Consortium et al., 2015; Exome Variant Server). The G158R variant is a non-conservative amino acid substitution, which occurs at a position that is conserved across species. In silico analysis predicts this variant is probably damaging to the protein structure/function. We interpret G158R as a variant of uncertain significance.

Genetics Research Center, University of Social Welfare and Rehabilitation Sciences
Classification: VUS-high for Hereditary spastic paraplegia 46. Review status: criteria provided, single submitter. Criteria: ACMG Guidelines, 2015. Collection method: clinical testing. Allele origin: germline. Inheritance: Autosomal recessive inheritance. Affected: yes. Observed: 1 variant allele, 1 homozygote.
Comment: ​The c.472G>A​(p.Gly158Arg) variant causes a missense change involving the alteration of a conserved nucleotide (Phylop100 = 7.64). The variant allele was found at a frequency of 0.00000373 in 1,607,858 control chromosomes in the GnomAD database, with no homozygous occurrence. In-silico tool predicts a pathogenic outcome for this variant (REVEL = 0.92). The variant co-segregated with disease status within the family. No other related variants were found, therefore, this variant is most likely disease causing, but due to limited evidence it remains uncertain.

Literature cited by the submitters: PubMed 42120987 (cited by Genetics Research Center, University of Social Welfare and Rehabilitation Sciences).

NM_020944.3(GBA2):c.472G>A (p.Gly158Arg)

Gene: GBA2 (glucosylceramidase beta 2; minus strand). Cytogenetic location: 9p13.3.
Variant type: single nucleotide variant.
Coding change: c.472G>A on transcript NM_020944.3 (MANE Select); coding-DNA position 472, G replaced by A.
Protein change: p.Gly158Arg; replaces glycine 158 with arginine.
Molecular consequence: missense variant.
Genome position (GRCh38, 1-based): chr9:35,744,392, C>T on the plus strand (G>A on the coding strand, the complement: GBA2 is on the minus strand). VCF-style: chr9-35744392-C-T. GRCh37 (hg19) VCF-style: chr9-35744389-C-T.
Other names: c.472G>A, p.Gly158Arg (NM_001330660.2); short protein forms G158R.
Identifiers: ClinVar variation 432379 (VCV000432379.3), dbSNP rs1450303709, ClinGen allele CA373419202.
Genomic context (GRCh38, chr9:35,744,392, plus strand): 5'-CAGGGTTAAGCTGCCAACGACAGAACTGGCCTCTCCAGCCACGGGTAATAGTGCCTCCCC[C>T]GATGCCACCCAAGGGACAACCTAGAGAAATCAGGGTGGTTAGTGGGGTATTGGGAGAGGA-3'
Protein context (NP_065995.1, residues 148-168): QIYGCPLGGI[Gly158Arg]GGTITRGWRG